The following is an entry in ClinVar:

NM_001367873.1(SOX6):c.1732+4769GT[17]

Gene: SOX6 (SRY-box transcription factor 6; minus strand). Cytogenetic location: 11p15.2.
Variant type: Microsatellite.
Coding change: c.1732+4769GT[17] on transcript NM_001367873.1 (MANE Select); 17 copies in a row of the 2-base unit GT starting at c.1732+4769; the reference has 24 copies in a row; seven copies, 14 bases deleted.
Molecular consequence: intron variant.
Genome position (GRCh38, 1-based): chr11:16,010,126-16,010,139, ACACACACACACAC deleted on the plus strand (GTGTGTGTGTGTGT on the coding strand, the reverse complement: SOX6 is on the minus strand); deleting any 14 consecutive bases within chr11:16,010,126-16,010,174 gives the same sequence; the position shown is the placement nearest the transcript's 3' end. VCF-style (leftmost placement, unchanged base first): chr11-16010125-TACACACACACACAC-T. GRCh37 (hg19) VCF-style: chr11-16031671-TACACACACACACAC-T.
Other names: c.1609+4769GT[17] (NM_001367872.1); c.1732+4769GT[17] (NM_033326.3, NM_001145819.2); c.1651+4769GT[17] (NM_001145811.2, NM_017508.3).
Identifiers: ClinVar variation 4822476 (VCV004822476.4).

ClinVar aggregate classification (germline): Likely benign (1 of 4 stars; one submission).

Submission:

CeGaT Center for Human Genetics Tuebingen
Classification: Likely benign. Last evaluated: 2026-07-01. Review status: criteria provided, single submitter. Criteria: CeGaT Center For Human Genetics Tuebingen Variant Classification Criteria Version 2. Collection method: clinical testing. Allele origin: germline. Affected: yes. Observed: 4 variant alleles.
Comment: SOX6: BS1